The following is an entry in ClinVar:

NM_005733.3(KIF20A):c.1537A>G (p.Met513Val)

Gene: KIF20A (kinesin family member 20A; plus strand). Cytogenetic location: 5q31.2.
Variant type: single nucleotide variant.
Coding change: c.1537A>G on transcript NM_005733.3 (MANE Select); coding-DNA position 1537, A replaced by G.
Protein change: p.Met513Val; replaces methionine 513 with valine.
Molecular consequence: missense variant.
Genome position (GRCh38, 1-based): chr5:138,184,530, A>G. VCF-style: chr5-138184530-A-G. GRCh37 (hg19) VCF-style: chr5-137520219-A-G.
Other names: c.1537A>G (NM_005733.2); short protein forms M513V.
Identifiers: ClinVar variation 1483955 (VCV001483955.7), dbSNP rs775056301, ClinGen allele CA3426642.
Genomic context (GRCh38, chr5:138,184,530, plus strand): 5'-GACTACTTATGGAGTCAAGTAAGATATTTTTTTTCCCTCTAGCTTGTGCATGCCCCACCT[A>G]TGCAACTGGGATTCCCATCCCTGCACTCGTTCATCAAGGAACATAGTCTTCAGGTATCCC-3'
Protein context (NP_005724.1, residues 503-523): IASQLVHAPP[Met513Val]QLGFPSLHSF

ClinVar aggregate classification (germline): Conflicting classifications of pathogenicity. Review status: criteria provided, conflicting classifications (1 of 4 stars). 2 submissions from 2 submitters: Uncertain significance (1); Likely benign (1). Last evaluated 2025-11-13.

Allele frequency attached by ClinVar (database versions not stated): gnomAD 0.00002 and 0.00003; gnomAD exomes 0.00005 and 0.00007; ExAC 0.00006.
gnomAD v4.1: 78 of 1,613,960 alleles (0.0048%); highest among the groups gnomAD compares: Middle Eastern, 0.066%; no homozygotes.

Submissions (2):

Labcorp Genetics (formerly Invitae), Labcorp
Classification: Uncertain significance. Last evaluated: 2025-11-13. Review status: criteria provided, single submitter. Criteria: Invitae Variant Classification Sherloc (09022015). Collection method: clinical testing. Allele origin: germline.
Comment: This sequence change replaces methionine, which is neutral and non-polar, with valine, which is neutral and non-polar, at codon 513 of the KIF20A protein (p.Met513Val). This variant is present in population databases (rs775056301, gnomAD 0.02%). This variant has not been reported in the literature in individuals affected with KIF20A-related conditions. ClinVar contains an entry for this variant (Variation ID: 1483955). An algorithm developed to predict the effect of missense changes on protein structure and function outputs the following: PolyPhen-2: "Benign". The valine amino acid residue is found in multiple mammalian species, which suggests that this missense change does not adversely affect protein function. In summary, the available evidence is currently insufficient to determine the role of this variant in disease. Therefore, it has been classified as a Variant of Uncertain Significance.

Ambry Genetics
Classification: Likely benign. Last evaluated: 2025-04-07. Review status: criteria provided, single submitter. Criteria: Ambry Variant Classification Scheme 2023. Collection method: clinical testing. Allele origin: germline.